The following is an entry in ClinVar:

ClinVar aggregate classification (germline): Pathogenic (1 of 4 stars; one submission).

Conditions:
Congenital disorder of deglycosylation (CDDG). Identifiers: MedGen C3808991, MONDO:0031376.

Submission:

Labcorp Genetics (formerly Invitae), Labcorp
Classification: Pathogenic for Congenital disorder of deglycosylation. Last evaluated: 2022-07-05. Review status: criteria provided, single submitter. Criteria: Invitae Variant Classification Sherloc (09022015). Collection method: clinical testing. Allele origin: germline.
Comment: For these reasons, this variant has been classified as Pathogenic. This variant disrupts a region of the NGLY1 protein in which other variant(s) (p.Gln631Serfs*7) have been determined to be pathogenic (PMID: 22581936, 24651605, 25900930). This suggests that this is a clinically significant region of the protein, and that variants that disrupt it are likely to be disease-causing. Algorithms developed to predict the effect of sequence changes on RNA splicing suggest that this variant may disrupt the consensus splice site. ClinVar contains an entry for this variant (Variation ID: 1073150). This variant has not been reported in the literature in individuals affected with NGLY1-related conditions. This variant is not present in population databases (gnomAD no frequency). This sequence change creates a premature translational stop signal (p.Trp583*) in the NGLY1 gene. While this is not anticipated to result in nonsense mediated decay, it is expected to disrupt the last 72 amino acid(s) of the NGLY1 protein.

Literature cited by the submitters: PubMed 22581936; PubMed 24651605; PubMed 25900930.

NM_018297.4(NGLY1):c.1748G>A (p.Trp583Ter)

Gene: NGLY1 (N-glycanase 1; minus strand). Cytogenetic location: 3p24.2.
Variant type: single nucleotide variant.
Coding change: c.1748G>A on transcript NM_018297.4 (MANE Select); coding-DNA position 1748, G replaced by A.
Protein change: p.Trp583Ter; replaces tryptophan 583 with a stop codon.
Molecular consequence: nonsense. On other transcripts: intron variant (1).
Genome position (GRCh38, 1-based): chr3:25,720,055, C>T on the plus strand (G>A on the coding strand, the complement: NGLY1 is on the minus strand). VCF-style: chr3-25720055-C-T. GRCh37 (hg19) VCF-style: chr3-25761546-C-T.
Other names: c.1694G>A, p.Trp565Ter (NM_001145293.2); c.1622G>A, p.Trp541Ter (NM_001145294.2); c.1612-420G>A (NM_001145295.2); short protein forms W541*, W565*, W583*.
Identifiers: ClinVar variation 1073150 (VCV001073150.5), dbSNP rs2125442838, ClinGen allele CA351893958.
Genomic context (GRCh38, chr3:25,720,055, plus strand): 5'-TCTCCAGGCAAATGCTTACCGCCTGTCAGTTCTACTTGTGCTGTATCAGATCGCAATTTC[C>T]ATTCTACTGTTCCAGTCTGAAAAGTTTGACTACTTGTTCTAATAGAAATGCTATCTACTT-3'